The following is an entry in ClinVar:

ClinVar aggregate classification (germline): Pathogenic (1 of 4 stars; one submission).

Conditions:
Biotin-responsive basal ganglia disease (BTBGD). Also called: Thiamine metabolism dysfunction syndrome type 2; Thiamine metabolism dysfunction syndrome 2 (biotin- or thiamine-responsive encephalopathy type 2); thiamine-responsive encephalopathy; Thiamine Transporter-2 Deficiency; THIAMINE METABOLISM DYSFUNCTION SYNDROME 2 (BIOTIN- AND THIAMINE-RESPONSIVE TYPE). Identifiers: Orphanet 199348, Orphanet 65284, MedGen C1843807, MONDO:0011841, OMIM 607483.

Submission:

Labcorp Genetics (formerly Invitae), Labcorp
Classification: Pathogenic for Biotin-responsive basal ganglia disease. Last evaluated: 2025-11-23. Review status: criteria provided, single submitter. Criteria: Invitae Variant Classification Sherloc (09022015). Collection method: clinical testing. Allele origin: germline.
Comment: This sequence change creates a premature translational stop signal (p.Glu50Glyfs*2) in the SLC19A3 gene. It is expected to result in an absent or disrupted protein product. Loss-of-function variants in SLC19A3 are known to be pathogenic (PMID: 23423671, 23482991). This variant is not present in population databases (gnomAD no frequency). This premature translational stop signal has been observed in individual(s) with clinical features of SLC19A3-related conditions (PMID: 34276785). For these reasons, this variant has been classified as Pathogenic.

Literature cited by the submitters: PubMed 23423671; PubMed 23482991; PubMed 34276785.

NM_025243.4(SLC19A3):c.149del (p.Glu50fs)

Gene: SLC19A3 (solute carrier family 19 member 3; minus strand). Cytogenetic location: 2q36.3.
Variant type: Deletion.
Coding change: c.149del on transcript NM_025243.4 (MANE Select); coding-DNA position 149, one base deleted (A; older notation c.149delA).
Protein change: p.Glu50fs; shifts the reading frame from glutamic acid 50.
Molecular consequence: frameshift variant. On other transcripts: 5 prime UTR variant (2).
Genome position (GRCh38, 1-based): chr2:227,702,170, T deleted on the plus strand (A on the coding strand, the reverse complement: SLC19A3 is on the minus strand). VCF-style (leftmost placement, unchanged base first): chr2-227702169-CT-C. GRCh37 (hg19) VCF-style: chr2-228566885-CT-C.
Other names: c.-60del (NM_001371413.1, NM_001371414.1); c.149del, p.Glu50fs (NM_001371411.1, NM_001371412.1); short protein forms E50fs.
Identifiers: ClinVar variation 4740010 (VCV004740010.1).